The following is an entry in ClinVar:

NM_006642.5(SDCCAG8):c.317A>C (p.Glu106Ala)

Gene: SDCCAG8 (SHH signaling and ciliogenesis regulator SDCCAG8; plus strand). Cytogenetic location: 1q43.
Variant type: single nucleotide variant.
Coding change: c.317A>C on transcript NM_006642.5 (MANE Select); coding-DNA position 317, A replaced by C.
Protein change: p.Glu106Ala; replaces glutamic acid 106 with alanine.
Molecular consequence: missense variant. On other transcripts: 5 prime UTR variant (3).
Genome position (GRCh38, 1-based): chr1:243,274,553, A>C. VCF-style: chr1-243274553-A-C. GRCh37 (hg19) VCF-style: chr1-243437855-A-C.
Other names: c.-796A>C (NM_001350246.2); c.-684A>C (NM_001350247.2); c.317A>C, p.Glu106Ala (NM_001350248.2); c.23A>C, p.Glu8Ala (NM_001350249.2); c.-1057A>C (NM_001350251.2); short protein forms E106A, E8A.
Identifiers: ClinVar variation 3346835 (VCV003346835.1).

ClinVar aggregate classification (germline): Uncertain significance (0 of 4 stars; one submission).

Conditions:
SDCCAG8-related disorder. Also called: SDCCAG8-Related Disorders; SDCCAG8-related condition.

Submission:

PreventionGenetics, part of Exact Sciences
Classification: Uncertain significance for SDCCAG8-related condition. Last evaluated: 2024-06-19. Review status: no assertion criteria provided. Collection method: clinical testing. Allele origin: germline.
Comment: The SDCCAG8 c.317A>C variant is predicted to result in the amino acid substitution p.Glu106Ala. To our knowledge, this variant has not been reported in the literature or in a large population database, indicating this variant is rare. At this time, the clinical significance of this variant is uncertain due to the absence of conclusive functional and genetic evidence.